The following is an entry in ClinVar:

ClinVar aggregate classification (germline): Uncertain significance (1 of 4 stars; one submission).

Allele frequency attached by ClinVar (database versions not stated): gnomAD exomes below 0.00001 and 0.00001; ExAC 0.00001; TOPMed 0.00001.
gnomAD v4.1: 1 of 1,613,858 alleles (0.000062%); highest among the groups gnomAD compares: Non-Finnish European, 0.000085%; no homozygotes.

Submission:

Labcorp Genetics (formerly Invitae), Labcorp
Classification: Uncertain significance. Last evaluated: 2022-02-04. Review status: criteria provided, single submitter. Criteria: Invitae Variant Classification Sherloc (09022015). Collection method: clinical testing. Allele origin: germline.
Comment: This sequence change replaces aspartic acid, which is acidic and polar, with asparagine, which is neutral and polar, at codon 370 of the ADGRV1 protein (p.Asp370Asn). This variant is present in population databases (rs749192669, gnomAD 0.003%). This variant has not been reported in the literature in individuals affected with ADGRV1-related conditions. ClinVar contains an entry for this variant (Variation ID: 1034489). Algorithms developed to predict the effect of missense changes on protein structure and function are either unavailable or do not agree on the potential impact of this missense change (SIFT: "Deleterious"; PolyPhen-2: "Possibly Damaging"; Align-GVGD: "Class C15"). In summary, the available evidence is currently insufficient to determine the role of this variant in disease. Therefore, it has been classified as a Variant of Uncertain Significance.

NM_032119.4(ADGRV1):c.1108G>A (p.Asp370Asn)

Gene: ADGRV1 (adhesion G protein-coupled receptor V1; plus strand). Cytogenetic location: 5q14.3.
Variant type: single nucleotide variant.
Coding change: c.1108G>A on transcript NM_032119.4 (MANE Select); coding-DNA position 1108, G replaced by A.
Protein change: p.Asp370Asn; replaces aspartic acid 370 with asparagine.
Molecular consequence: missense variant. On other transcripts: non-coding transcript variant (1).
Genome position (GRCh38, 1-based): chr5:90,627,646, G>A. VCF-style: chr5-90627646-G-A. GRCh37 (hg19) VCF-style: chr5-89923463-G-A.
Other names: short protein forms D370N.
Identifiers: ClinVar variation 1034489 (VCV001034489.6), dbSNP rs749192669, ClinGen allele CA3338613.